The following is an entry in ClinVar:

ClinVar aggregate classification (germline): Uncertain significance (1 of 4 stars; one submission).

Conditions:
Hypertrophic cardiomyopathy 12. Identifiers: MedGen C2677491, MONDO:0012804, OMIM 612124.

Submission:

Agnes Ginges Centre for Molecular Cardiology, Centenary Institute
Classification: Uncertain significance for Hypertrophic cardiomyopathy 12. Last evaluated: 2018-10-16. Review status: criteria provided, single submitter. Criteria: ACMG Guidelines, 2015. Collection method: research. Allele origin: germline. Inheritance: Autosomal dominant inheritance. Affected: yes.
Comment: This CSRP3 Ser108Profs*100 is absent in the Genome Aggregation Database. There is evidence to suggest that CSRP3 variants can cause both HCM and DCM; and there have been two reports of CSRP3 frameshift variants in patients with HCM (Santos S, et al., 2011; Bos JM, et al., 2006). In summary, although this rare CSRP3 Ser108Profs*100 is predicted to result in premature truncation, further evidence is required to establish its role in this disease. Therefore, we classify this variant as one of "uncertain significance".

Literature cited by the submitters: PubMed 16352453; PubMed 21425739.

NM_003476.5(CSRP3):c.322del (p.Ser108fs)

Gene: CSRP3 (cysteine and glycine rich protein 3; minus strand). Cytogenetic location: 11p15.1.
Variant type: Deletion.
Coding change: c.322del on transcript NM_003476.5 (MANE Select); coding-DNA position 322, one base deleted (T; older notation c.322delT).
Protein change: p.Ser108fs; shifts the reading frame from serine 108.
Molecular consequence: frameshift variant.
Genome position (GRCh38, 1-based): chr11:19,186,308, A deleted on the plus strand (T on the coding strand, the reverse complement: CSRP3 is on the minus strand); the first of 2 consecutive A bases (chr11:19,186,308-19,186,309); deleting either gives the same sequence. VCF-style (leftmost placement, unchanged base first): chr11-19186307-GA-G. GRCh37 (hg19) VCF-style: chr11-19207854-GA-G.
Other names: c.153del, p.Pro52fs (NM_001369404.1); short protein forms P52fs, S108fs.
Identifiers: ClinVar variation 810741 (VCV000810741.2), dbSNP rs1590103399, ClinGen allele CA915948097.